The following is an entry in ClinVar:

NM_004287.5(GOSR2):c.103A>G (p.Asn35Asp)

Genes: LRRC37A2 (leucine rich repeat containing 37 member A2), GOSR2 (golgi SNAP receptor complex member 2; plus strand), LOC126862578 (BRD4-independent group 4 enhancer GRCh37_chr17:45008344-45009543; plus strand). Cytogenetic location: 17q21.32.
Variant type: single nucleotide variant.
Coding change: c.103A>G on transcript NM_004287.5 (MANE Select); coding-DNA position 103, A replaced by G.
Protein change: p.Asn35Asp; replaces asparagine 35 with aspartic acid.
Molecular consequence: missense variant. On other transcripts: non-coding transcript variant (3).
Genome position (GRCh38, 1-based): chr17:46,931,107, A>G. VCF-style: chr17-46931107-A-G. GRCh37 (hg19) VCF-style: chr17-45008473-A-G.
Other names: c.103A>G, p.Asn35Asp (NM_001012511.3, NM_001321133.2, NM_001330252.2 and 1 more transcripts); c.49A>G, p.Asn17Asp (NM_001321134.2, NM_001363851.2); c.100A>G, p.Asn34Asp (NM_001353114.2, NM_001353115.2, NM_001353116.2); short protein forms N17D, N35D, N34D.
Identifiers: ClinVar variation 950079 (VCV000950079.10), dbSNP rs2087304609, ClinGen allele CA400016601.
Genomic context (GRCh38, chr17:46,931,107, plus strand): 5'-TTAAGTTCACTATCTCTTTTCCAGCAATTATTCTTTTTTCTTTTTTGTACAGTAGTAGAA[A>G]ACGAAATCCAAGCAAGCATAGACCAGATATTCAGCCGTCTAGAACGTCTGGAGATTTTGT-3'
Protein context (NP_004278.2, residues 25-45): ADKQSVHIVE[Asn35Asp]EIQASIDQIF

ClinVar aggregate classification (germline): Uncertain significance (1 of 4 stars; one submission).

Conditions:
Progressive myoclonic epilepsy. Also called: Familial progressive myoclonic epilepsy; Myoclonus epilepsy; Progressive myoclonus epilepsy; Myoclonic Epilepsies, Progressive. Identifiers: Orphanet 308, Orphanet 98261, MedGen C0751778, MONDO:0020074.

gnomAD v4.1: 3 of 1,579,566 alleles (0.00019%); highest among the groups gnomAD compares: Non-Finnish European, 0.00026%; no homozygotes.

Submission:

Labcorp Genetics (formerly Invitae), Labcorp
Classification: Uncertain significance for Progressive myoclonic epilepsy. Last evaluated: 2019-05-13. Review status: criteria provided, single submitter. Criteria: Invitae Variant Classification Sherloc (09022015). Collection method: clinical testing. Allele origin: germline.
Comment: This sequence change replaces asparagine with aspartic acid at codon 35 of the GOSR2 protein (p.Asn35Asp). The asparagine residue is highly conserved and there is a small physicochemical difference between asparagine and aspartic acid. This variant is not present in population databases (ExAC no frequency). This variant has not been reported in the literature in individuals with GOSR2-related conditions. Algorithms developed to predict the effect of missense changes on protein structure and function (SIFT, PolyPhen-2, Align-GVGD) all suggest that this variant is likely to be tolerated, but these predictions have not been confirmed by published functional studies and their clinical significance is uncertain. In summary, the available evidence is currently insufficient to determine the role of this variant in disease. Therefore, it has been classified as a Variant of Uncertain Significance.